The following is an entry in ClinVar:

ClinVar aggregate classification (germline): Conflicting classifications of pathogenicity. Review status: criteria provided, conflicting classifications (1 of 4 stars). 4 submissions from 4 submitters: Pathogenic (1); Likely pathogenic (1); Uncertain significance (2). Last evaluated 2025-03-19.

Conditions:
Severe early-childhood-onset retinal dystrophy (STGD1). Also called: STGD; Stargardt macular dystrophy; Juvenile onset macular degeneration; Stargardt disease 1; MACULAR DYSTROPHY WITH FLECKS, TYPE 1. Identifiers: Orphanet 364055, Orphanet 827, MedGen C1855465, MeSH D000080362, MONDO:0009549, OMIM 248200.

gnomAD v4.1: 7 of 1,614,060 alleles (0.00043%); highest among the groups gnomAD compares: South Asian, 0.0066%; no homozygotes.

Submissions (4):

Women's Health and Genetics/Laboratory Corporation of America, LabCorp
Classification: Uncertain significance. Last evaluated: 2025-03-19. Review status: criteria provided, single submitter. Criteria: LabCorp Variant Classification Summary - May 2015. Collection method: clinical testing. Allele origin: germline.
Comment: Variant summary: ABCA4 c.3179A>C (p.Gln1060Pro) results in a non-conservative amino acid change located in the ABC transporter-like, ATP-binding domain (IPR003439) of the encoded protein sequence. Three of five in-silico tools predict a benign effect of the variant on protein function. The variant allele was found at a frequency of 8e-06 in 251178 control chromosomes. c.3179A>C has been reported in the literature in a compound heterozygous individual affected with Retinitis Pigmentosa (Maggi_2021). These data indicate that the variant may be associated with disease. To our knowledge, no experimental evidence demonstrating an impact on protein function has been reported. The following publication have been ascertained in the context of this evaluation (PMID: 33546218). ClinVar contains an entry for this variant (Variation ID: 1048120). Based on the evidence outlined above, the variant was classified as VUS-possibly pathogenic.

Labcorp Genetics (formerly Invitae), Labcorp
Classification: Pathogenic. Last evaluated: 2023-03-10. Review status: criteria provided, single submitter. Criteria: Invitae Variant Classification Sherloc (09022015). Collection method: clinical testing. Allele origin: germline.
Comment: For these reasons, this variant has been classified as Pathogenic. Advanced modeling of protein sequence and biophysical properties (such as structural, functional, and spatial information, amino acid conservation, physicochemical variation, residue mobility, and thermodynamic stability) performed at Invitae indicates that this missense variant is expected to disrupt ABCA4 protein function. ClinVar contains an entry for this variant (Variation ID: 1048120). This missense change has been observed in individual(s) with clinical features of Stargardt disease (PMID: 33546218). This variant is present in population databases (rs772663974, gnomAD 0.006%). This sequence change replaces glutamine, which is neutral and polar, with proline, which is neutral and non-polar, at codon 1060 of the ABCA4 protein (p.Gln1060Pro).

Institute of Medical Molecular Genetics, University of Zurich
Classification: Likely pathogenic for Severe early-childhood-onset retinal dystrophy. Last evaluated: 2021-01-30. Review status: criteria provided, single submitter. Criteria: ACMG Guidelines, 2015. Collection method: clinical testing. Allele origin: unknown. Affected: yes.

Blueprint Genetics
Classification: Uncertain significance. Last evaluated: 2019-07-06. Review status: criteria provided, single submitter. Criteria: ACMG Guidelines, 2015. Collection method: clinical testing. Allele origin: germline.

Literature cited by the submitters: PubMed 33546218 (cited by Women's Health and Genetics/Laboratory Corporation of America, LabCorp and Labcorp Genetics (formerly Invitae), Labcorp).

NM_000350.3(ABCA4):c.3179A>C (p.Gln1060Pro)

Gene: ABCA4 (ATP binding cassette subfamily A member 4; minus strand). Cytogenetic location: 1p22.1.
Variant type: single nucleotide variant.
Coding change: c.3179A>C on transcript NM_000350.3 (MANE Select); coding-DNA position 3179, A replaced by C.
Protein change: p.Gln1060Pro; replaces glutamine 1060 with proline.
Molecular consequence: missense variant.
Genome position (GRCh38, 1-based): chr1:94,043,347, T>G on the plus strand (A>C on the coding strand, the complement: ABCA4 is on the minus strand). VCF-style: chr1-94043347-T-G. GRCh37 (hg19) VCF-style: chr1-94508903-T-G.
Other names: c.2957A>C, p.Gln986Pro (NM_001425324.1); short protein forms Q1060P, Q986P.
Identifiers: ClinVar variation 1048120 (VCV001048120.11), dbSNP rs772663974, ClinGen allele CA958030.